The following is an entry in ClinVar:

NM_177438.3(DICER1):c.4216T>C (p.Cys1406Arg)

Gene: DICER1 (dicer 1, ribonuclease III; minus strand). Cytogenetic location: 14q32.13.
Variant type: single nucleotide variant.
Coding change: c.4216T>C on transcript NM_177438.3 (MANE Select); coding-DNA position 4216, T replaced by C.
Protein change: p.Cys1406Arg; replaces cysteine 1406 with arginine.
Molecular consequence: missense variant. On other transcripts: non-coding transcript variant (6).
Genome position (GRCh38, 1-based): chr14:95,096,704, A>G on the plus strand (T>C on the coding strand, the complement: DICER1 is on the minus strand). VCF-style: chr14-95096704-A-G. GRCh37 (hg19) VCF-style: chr14-95563041-A-G.
Other names: c.4216T>C, p.Cys1406Arg (NM_001195573.1, NM_001271282.3, NM_001291628.2 and 12 more transcripts); c.3934T>C, p.Cys1312Arg (NM_001395686.1); c.3811T>C, p.Cys1271Arg (NM_001395687.1, NM_001395688.1, NM_001395689.1 and 2 more transcripts); c.3649T>C, p.Cys1217Arg (NM_001395691.1); c.2533T>C, p.Cys845Arg (NM_001395697.1); short protein forms C1217R, C1271R, C1312R, C1406R, C845R.
Identifiers: ClinVar variation 1692091 (VCV001692091.2), dbSNP rs1356179383, ClinGen allele CA390869868.

ClinVar aggregate classification (germline): Uncertain significance. Review status: criteria provided, multiple submitters, no conflicts (2 of 4 stars). 2 submissions from 2 submitters: Uncertain significance (2). Last evaluated 2025-11-03.

Conditions:
DICER1-related tumor predisposition. Also called: DICER1-related pleuropulmonary blastoma cancer predisposition syndrome; DICER1 syndrome. Identifiers: Orphanet 284343, MedGen C3839822, MONDO:0100216.
Hereditary cancer-predisposing syndrome. Also called: Neoplastic Syndromes, Hereditary; Hereditary Cancer Syndrome; Tumor predisposition; Hereditary neoplastic syndrome. Identifiers: Orphanet 140162, MedGen C0027672, MeSH D009386, MONDO:0015356.

Allele frequency attached by ClinVar (database versions not stated): gnomAD exomes below 0.00001.
gnomAD v4.1: 1 of 1,608,148 alleles (0.000062%); highest among the groups gnomAD compares: East Asian, 0.0022%; no homozygotes.

Submissions (2):

Labcorp Genetics (formerly Invitae), Labcorp
Classification: Uncertain significance for DICER1-related tumor predisposition. Last evaluated: 2025-11-03. Review status: criteria provided, single submitter. Criteria: Invitae Variant Classification Sherloc (09022015). Collection method: clinical testing. Allele origin: germline.
Comment: This sequence change replaces cysteine, which is neutral and slightly polar, with arginine, which is basic and polar, at codon 1406 of the DICER1 protein (p.Cys1406Arg). This variant is present in population databases (no rsID available, gnomAD 0.006%). This variant has not been reported in the literature in individuals affected with DICER1-related conditions. ClinVar contains an entry for this variant (Variation ID: 1692091). Invitae Evidence Modeling of protein sequence and biophysical properties (such as structural, functional, and spatial information, amino acid conservation, physicochemical variation, residue mobility, and thermodynamic stability) indicates that this missense variant is not expected to disrupt DICER1 protein function with a negative predictive value of 95%. In summary, the available evidence is currently insufficient to determine the role of this variant in disease. Therefore, it has been classified as a Variant of Uncertain Significance.

Sema4
Classification: Uncertain significance for Hereditary cancer-predisposing syndrome. Last evaluated: 2022-02-05. Review status: criteria provided, single submitter. Criteria: Sema4 Curation Guidelines. Collection method: curation. Allele origin: germline.
Comment: The DICER1 c.4216T>C (p.C1406R) variant has not been reported in the literature to our knowledge. It was observed in 1/17108 chromosomes in the East Asian subpopulation according to the Genome Aggregation Database (PMID: 32461654). This variant has not been reported in ClinVar. In silico tools suggest the impact of the variant on protein function is benign, though these predictions have not been confirmed by functional studies. The evidence is insufficient to meet ACMG/AMP criteria for classifying the variant as benign or pathogenic. Thus, the clinical significance of this variant is currently uncertain.